The following is an entry in ClinVar:

ClinVar aggregate classification (germline): Uncertain significance (1 of 4 stars; one submission).

gnomAD v4.1: 2 of 1,611,834 alleles (0.00012%); highest among the groups gnomAD compares: Non-Finnish European, 0.000085%; no homozygotes.

Submission:

GeneDx
Classification: Uncertain significance. Last evaluated: 2024-04-22. Review status: criteria provided, single submitter. Criteria: GeneDx Variant Classification Process June 2021. Collection method: clinical testing. Allele origin: germline. Affected: yes.
Comment: Not observed at significant frequency in large population cohorts (gnomAD); In silico analysis indicates that this missense variant does not alter protein structure/function; Has not been previously published as pathogenic or benign to our knowledge

NM_001349253.2(SCN11A):c.3532A>G (p.Ile1178Val)

Genes: SCN11A (sodium voltage-gated channel alpha subunit 11; minus strand), LOC126806652 (CDK7 strongly-dependent group 2 enhancer GRCh37_chr3:38912374-38913573; plus strand). Cytogenetic location: 3p22.2.
Variant type: single nucleotide variant.
Coding change: c.3532A>G on transcript NM_001349253.2 (MANE Select); coding-DNA position 3532, A replaced by G.
Protein change: p.Ile1178Val; replaces isoleucine 1178 with valine.
Molecular consequence: missense variant.
Genome position (GRCh38, 1-based): chr3:38,871,672, T>C on the plus strand (A>G on the coding strand, the complement: SCN11A is on the minus strand). VCF-style: chr3-38871672-T-C. GRCh37 (hg19) VCF-style: chr3-38913163-T-C.
Other names: c.3532A>G, p.Ile1178Val (NM_014139.3); short protein forms I1178V.
Identifiers: ClinVar variation 3372981 (VCV003372981.1).